The following is an entry in ClinVar:

ClinVar aggregate classification (germline): Uncertain significance. Review status: criteria provided, multiple submitters, no conflicts (2 of 4 stars). 2 submissions from 2 submitters: Uncertain significance (2). Last evaluated 2024-03-11.

Conditions:
Inborn genetic diseases. Identifiers: MedGen C0950123, MeSH D030342.
Myopathy, proximal, and ophthalmoplegia (CMYO6). Also called: INCLUSION BODY MYOPATHY 3, AUTOSOMAL DOMINANT; MYOPATHY WITH CONGENITAL JOINT CONTRACTURES, OPHTHALMOPLEGIA, AND RIMMED VACUOLES; CONGENITAL MYOPATHY 6 WITH OPHTHALMOPLEGIA. Identifiers: Orphanet 363677, Orphanet 79091, MedGen C1854106, MONDO:0011577, OMIM 605637.

gnomAD v4.1: 5 of 1,614,064 alleles (0.00031%); highest among the groups gnomAD compares: Non-Finnish European, 0.00042%; no homozygotes.

Submissions (2):

Ambry Genetics
Classification: Uncertain significance for Inborn genetic diseases. Last evaluated: 2024-03-11. Review status: criteria provided, single submitter. Criteria: Ambry Variant Classification Scheme 2023. Collection method: clinical testing. Allele origin: germline.

Labcorp Genetics (formerly Invitae), Labcorp
Classification: Uncertain significance for Myopathy, proximal, and ophthalmoplegia. Last evaluated: 2022-08-07. Review status: criteria provided, single submitter. Criteria: Invitae Variant Classification Sherloc (09022015). Collection method: clinical testing. Allele origin: germline.
Comment: This variant has not been reported in the literature in individuals affected with MYH2-related conditions. Algorithms developed to predict the effect of missense changes on protein structure and function are either unavailable or do not agree on the potential impact of this missense change (SIFT: "Deleterious"; PolyPhen-2: "Benign"; Align-GVGD: "Class C25"). In summary, the available evidence is currently insufficient to determine the role of this variant in disease. Therefore, it has been classified as a Variant of Uncertain Significance. This sequence change replaces glutamine, which is neutral and polar, with glutamic acid, which is acidic and polar, at codon 1512 of the MYH2 protein (p.Gln1512Glu). This variant is present in population databases (no rsID available, gnomAD 0.007%).

NM_017534.6(MYH2):c.4534C>G (p.Gln1512Glu)

Genes: MYH2 (myosin heavy chain 2; minus strand), MYHAS (myosin heavy chain gene cluster antisense RNA; plus strand), LOC126862500 (BRD4-independent group 4 enhancer GRCh37_chr17:10427829-10429028; plus strand). Cytogenetic location: 17p13.1.
Variant type: single nucleotide variant.
Coding change: c.4534C>G on transcript NM_017534.6 (MANE Select); coding-DNA position 4534, C replaced by G.
Protein change: p.Gln1512Glu; replaces glutamine 1512 with glutamic acid.
Molecular consequence: missense variant.
Genome position (GRCh38, 1-based): chr17:10,525,454, G>C on the plus strand (C>G on the coding strand, the complement: MYH2 is on the minus strand). VCF-style: chr17-10525454-G-C. GRCh37 (hg19) VCF-style: chr17-10428771-G-C.
Other names: c.4534C>G (NM_017534.5); c.4534C>G, p.Gln1512Glu (NM_001100112.2); short protein forms Q1512E.
Identifiers: ClinVar variation 2154914 (VCV002154914.5), dbSNP rs1286711473, ClinGen allele CA398125504.